The following is an entry in ClinVar:

ClinVar aggregate classification (germline): Pathogenic/Likely pathogenic. Review status: criteria provided, multiple submitters, no conflicts (2 of 4 stars). 3 submissions from 3 submitters: Pathogenic (1); Likely pathogenic (1). 1 of the submissions does not count toward it. Last evaluated 2024-04-12.

Conditions:
Bardet-Biedl syndrome (BBS). Identifiers: Orphanet 110, MedGen C0752166, MONDO:0015229.
Bardet-Biedl syndrome 15 (BBS15). Identifiers: Orphanet 110, MedGen C3150127, MONDO:0014443, OMIM 615992.
Heart defect - tongue hamartoma - polysyndactyly syndrome. Also called: Congenital heart defects, hamartomas of tongue, and polysyndactyly. Identifiers: Orphanet 1338, MedGen C1857587, MONDO:0009008, OMIM 217085.
WDPCP-related disorder. Also called: WDPCP-related condition.

Submissions (3):

Fulgent Genetics
Classification: Likely pathogenic for Heart defect - tongue hamartoma - polysyndactyly syndrome; Bardet-Biedl syndrome 15. Last evaluated: 2024-04-12. Review status: criteria provided, single submitter. Criteria: ACMG Guidelines, 2015. Collection method: clinical testing. Allele origin: germline.

Labcorp Genetics (formerly Invitae), Labcorp
Classification: Pathogenic for Bardet-Biedl syndrome. Last evaluated: 2022-11-26. Review status: criteria provided, single submitter. Criteria: Invitae Variant Classification Sherloc (09022015). Collection method: clinical testing. Allele origin: germline.
Comment: This sequence change creates a premature translational stop signal (p.Asp171Valfs*27) in the WDPCP gene. It is expected to result in an absent or disrupted protein product. Loss-of-function variants in WDPCP are known to be pathogenic (PMID: 20671153, 25427950, 27158779). This variant is present in population databases (rs766056004, gnomAD 0.007%). For these reasons, this variant has been classified as Pathogenic. This variant has not been reported in the literature in individuals affected with WDPCP-related conditions.

PreventionGenetics, part of Exact Sciences
Classification: Likely pathogenic for WDPCP-related condition. Last evaluated: 2024-06-19. Review status: no assertion criteria provided. Collection method: clinical testing. Allele origin: germline. Not counted in ClinVar's aggregate classification.
Comment: The WDPCP c.512_515delACAG variant is predicted to result in a frameshift and premature protein termination (p.Asp171Valfs*27). This variant was reported in a carrier study of autosomal recessive inherited retinal diseases (Table S3 in Hanany et al. 2020. PubMed ID: 31964843). This variant is reported in 0.013% of alleles in individuals of African descent in gnomAD. Frameshift variants in WDPCP are expected to be pathogenic. This variant is interpreted as likely pathogenic.

Literature cited by the submitters: PubMed 20671153 (cited by Labcorp Genetics (formerly Invitae), Labcorp); PubMed 25427950 (cited by Labcorp Genetics (formerly Invitae), Labcorp); PubMed 27158779 (cited by Labcorp Genetics (formerly Invitae), Labcorp).

NM_015910.7(WDPCP):c.512_515del (p.Asp171fs)

Gene: WDPCP (WD repeat containing planar cell polarity effector; minus strand). Cytogenetic location: 2p15.
Variant type: Microsatellite.
Coding change: c.512_515del on transcript NM_015910.7 (MANE Select); coding-DNA positions 512 to 515, 4 bases deleted (ACAG; older notation c.512_515delACAG).
Protein change: p.Asp171fs; shifts the reading frame from aspartic acid 171.
Molecular consequence: frameshift variant. On other transcripts: non-coding transcript variant (3).
Genome position (GRCh38, 1-based): chr2:63,437,539-63,437,542, CTGT deleted on the plus strand (ACAG on the coding strand, the reverse complement: WDPCP is on the minus strand); deleting any 4 consecutive bases within chr2:63,437,539-63,437,546 gives the same sequence; the c. name uses the placement nearest the transcript's 3' end. VCF-style (leftmost placement, unchanged base first): chr2-63437538-ACTGT-A. GRCh37 (hg19) VCF-style: chr2-63664672-ACTGT-A.
Other names: c.512_515delACAG (NM_015910.5); c.35_38del, p.Asp12fs (NM_001042692.3); c.440_443del, p.Asp147fs (NM_001354044.2); c.512_515del, p.Asp171fs (NM_001354045.2); short protein forms D12fs, D171fs, D147fs.
Identifiers: ClinVar variation 2882889 (VCV002882889.5), dbSNP rs766056004, ClinGen allele CA1682413.
Genomic context (GRCh38, chr2:63,437,538, plus strand): 5'-CTTCTTGGTAAACTGAATAAAACATAGTTTGTTTTGTGCCAAAAATGATAAGATGATAAA[ACTGT>A]CTGTGAGAAGAGCTAAAAAACATAATTAGATATTACCAAGTTAGAATAAAATAATGAATA-3'